The following is an entry in ClinVar:

ClinVar aggregate classification (germline): Uncertain significance (1 of 4 stars; one submission).

Conditions:
Autosomal recessive limb-girdle muscular dystrophy type R18 (LGMDR18). Also called: MUSCULAR DYSTROPHY, LIMB-GIRDLE, AUTOSOMAL RECESSIVE 18; Limb-girdle muscular dystrophy, type 2S; Autosomal recessive limb-girdle muscular dystrophy type 2S. Identifiers: Orphanet 369840, MedGen C4517996, MONDO:0014144, OMIM 615356.

Allele frequency attached by ClinVar (database versions not stated): gnomAD 0.00004; TOPMed 0.00006.
gnomAD v4.1: 11 of 1,614,042 alleles (0.00068%); highest among the groups gnomAD compares: African/African-American, 0.0093%; no homozygotes.

Submission:

Labcorp Genetics (formerly Invitae), Labcorp
Classification: Uncertain significance for Autosomal recessive limb-girdle muscular dystrophy type R18. Last evaluated: 2022-07-26. Review status: criteria provided, single submitter. Criteria: Invitae Variant Classification Sherloc (09022015). Collection method: clinical testing. Allele origin: germline.
Comment: This sequence change replaces valine, which is neutral and non-polar, with leucine, which is neutral and non-polar, at codon 36 of the TRAPPC11 protein (p.Val36Leu). This variant is present in population databases (no rsID available, gnomAD 0.008%). This variant has not been reported in the literature in individuals affected with TRAPPC11-related conditions. ClinVar contains an entry for this variant (Variation ID: 1372418). Algorithms developed to predict the effect of missense changes on protein structure and function (SIFT, PolyPhen-2, Align-GVGD) all suggest that this variant is likely to be tolerated. In summary, the available evidence is currently insufficient to determine the role of this variant in disease. Therefore, it has been classified as a Variant of Uncertain Significance.

NM_021942.6(TRAPPC11):c.106G>C (p.Val36Leu)

Gene: TRAPPC11 (trafficking protein particle complex subunit 11; plus strand). Cytogenetic location: 4q35.1.
Variant type: single nucleotide variant.
Coding change: c.106G>C on transcript NM_021942.6 (MANE Select); coding-DNA position 106, G replaced by C.
Protein change: p.Val36Leu; replaces valine 36 with leucine.
Molecular consequence: missense variant.
Genome position (GRCh38, 1-based): chr4:183,663,973, G>C. VCF-style: chr4-183663973-G-C. GRCh37 (hg19) VCF-style: chr4-184585126-G-C.
Other names: c.106G>C, p.Val36Leu (NM_199053.3); short protein forms V36L.
Identifiers: ClinVar variation 1372418 (VCV001372418.5), dbSNP rs530405458, ClinGen allele CA111832968.